The following is an entry in ClinVar:

ClinVar aggregate classification (germline): Uncertain significance. Review status: criteria provided, single submitter (1 of 4 stars). 2 submissions from 2 submitters: Uncertain significance (1). 1 of the submissions does not count toward it. Last evaluated 2025-10-03.

Conditions:
CRTAP-related disorder. Also called: CRTAP-related condition.
Osteogenesis imperfecta type 7 (OI7). Also called: OSTEOGENESIS IMPERFECTA, TYPE IIB; Osteogenesis imperfecta type 2B; OI type 2B; Osteogenesis imperfecta, perinatal lethal autosomal recessive; OI type IIB; OI type 7. Identifiers: MedGen C1853162, MONDO:0012536, OMIM 610682.

Submissions (2):

PreventionGenetics, part of Exact Sciences
Classification: Uncertain significance for CRTAP-related condition. Last evaluated: 2025-10-03. Review status: criteria provided, single submitter. Criteria: ACMG Guidelines, 2015. Collection method: clinical testing. Allele origin: germline.
Comment: The CRTAP c.1152+5G>C variant is predicted to interfere with splicing. While one splicing prediction program (SpliceAI, Jaganathan et al. 2019. PubMed ID: 30661751) does not predict that this variant would have a significant impact on splicing, additional splicing prediction programs suggest it may result in a modest decrease in the strength of the nearby splice donor site (Alamut Visual Plus v1.6.1). The c.1152+5G nucleotide has been highly evolutionarily conserved (Alamut Visual Plus v1.6.1). To our knowledge, this variant has not been reported in the literature or in a large population database (gnomAD), indicating this variant is rare. Although we suspect that this variant may be pathogenic, at this time, the clinical significance of this variant is uncertain due to the absence of conclusive functional and genetic evidence.

Institute of Human Genetics, Cologne University
Classification: Uncertain significance for Osteogenesis imperfecta type 7. Review status: no assertion criteria provided. Collection method: clinical testing. Allele origin: germline. Inheritance: Autosomal recessive inheritance. Affected: yes. Observed: 1 variant allele, 1 homozygote. Not counted in ClinVar's aggregate classification.

NM_006371.5(CRTAP):c.1152+5G>C

Gene: CRTAP (cartilage associated protein; plus strand). Cytogenetic location: 3p22.3.
Variant type: single nucleotide variant.
Coding change: c.1152+5G>C on transcript NM_006371.5 (MANE Select); 5 bases into the intron after coding-DNA position 1152, G replaced by C.
Molecular consequence: intron variant.
Genome position (GRCh38, 1-based): chr3:33,134,270, G>C. VCF-style: chr3-33134270-G-C. GRCh37 (hg19) VCF-style: chr3-33175762-G-C.
Other names: c.1068+1570G>C (NM_001393363.1); c.1023+5G>C (NM_001393364.1); c.1002+5G>C (NM_001393365.1).
Identifiers: ClinVar variation 437923 (VCV000437923.2), dbSNP rs1553617810, ClinGen allele CA645509125.